The following is an entry in ClinVar:

ClinVar aggregate classification (germline): Uncertain significance (1 of 4 stars; one submission).

Conditions:
Muscular dystrophy-dystroglycanopathy (congenital with brain and eye anomalies), type A9. Also called: Muscular dystrophy-dystroglycanopathy (congenital with brain and eye anomalies), type a, 9; WALKER-WARBURG SYNDROME OR MUSCLE-EYE BRAIN DISEASE, DAG1-RELATED. Identifiers: Orphanet 370997, Orphanet 899, MedGen C4225291, MONDO:0014683, OMIM 616538.
Autosomal recessive limb-girdle muscular dystrophy type 2P. Also called: MUSCULAR DYSTROPHY-DYSTROGLYCANOPATHY, LIMB-GIRDLE, DAG1-RELATED; MUSCULAR DYSTROPHY, LIMB-GIRDLE, TYPE 2P; Limb-Girdle Muscular Dystrophy Type 9C. Identifiers: Orphanet 280333, MedGen C4511963, MONDO:0013440, OMIM 613818.

Allele frequency attached by ClinVar (database versions not stated): TOPMed below 0.00001.
gnomAD v4.1: 19 of 1,614,168 alleles (0.0012%); highest among the groups gnomAD compares: Non-Finnish European, 0.0016%; no homozygotes.

Submission:

Labcorp Genetics (formerly Invitae), Labcorp
Classification: Uncertain significance for Autosomal recessive limb-girdle muscular dystrophy type 2P; Muscular dystrophy-dystroglycanopathy (congenital with brain and eye anomalies), type A9. Last evaluated: 2022-10-13. Review status: criteria provided, single submitter. Criteria: Invitae Variant Classification Sherloc (09022015). Collection method: clinical testing. Allele origin: germline.
Comment: In summary, the available evidence is currently insufficient to determine the role of this variant in disease. Therefore, it has been classified as a Variant of Uncertain Significance. Algorithms developed to predict the effect of missense changes on protein structure and function (SIFT, PolyPhen-2, Align-GVGD) all suggest that this variant is likely to be tolerated. This variant has not been reported in the literature in individuals affected with DAG1-related conditions. This variant is present in population databases (no rsID available, gnomAD 0.0009%). This sequence change replaces valine, which is neutral and non-polar, with methionine, which is neutral and non-polar, at codon 721 of the DAG1 protein (p.Val721Met).

NM_004393.6(DAG1):c.2161G>A (p.Val721Met)

Gene: DAG1 (dystroglycan 1; plus strand). Cytogenetic location: 3p21.31.
Variant type: single nucleotide variant.
Coding change: c.2161G>A on transcript NM_004393.6 (MANE Select); coding-DNA position 2161, G replaced by A.
Protein change: p.Val721Met; replaces valine 721 with methionine.
Molecular consequence: missense variant.
Genome position (GRCh38, 1-based): chr3:49,532,672, G>A. VCF-style: chr3-49532672-G-A. GRCh37 (hg19) VCF-style: chr3-49570105-G-A.
Other names: c.2161G>A, p.Val721Met (NM_001165928.4, NM_001177634.3, NM_001177635.3 and 9 more transcripts); short protein forms V721M.
Identifiers: ClinVar variation 2187901 (VCV002187901.3), dbSNP rs779632206, ClinGen allele CA352796937.